The following is an entry in ClinVar:

NM_138639.2(BCL2L12):c.202C>T (p.Pro68Ser)

Gene: BCL2L12 (BCL2 like 12; plus strand). Cytogenetic location: 19q13.33.
Variant type: single nucleotide variant.
Coding change: c.202C>T on transcript NM_138639.2 (MANE Select); coding-DNA position 202, C replaced by T.
Protein change: p.Pro68Ser; replaces proline 68 with serine.
Molecular consequence: missense variant. On other transcripts: non-coding transcript variant (1), intron variant (1).
Genome position (GRCh38, 1-based): chr19:49,667,113, C>T. VCF-style: chr19-49667113-C-T. GRCh37 (hg19) VCF-style: chr19-50170370-C-T.
Other names: c.199C>T, p.Pro67Ser (NM_001040668.2, NM_001385706.1); c.202C>T, p.Pro68Ser (NM_001282516.2, NM_001282519.2, NM_001282521.2); c.454C>T, p.Pro152Ser (NM_001282520.1); c.107+314C>T (NM_001282517.2); short protein forms P152S, P67S, P68S.
Identifiers: ClinVar variation 3387907 (VCV003387907.14).

ClinVar aggregate classification (germline): Likely benign (1 of 4 stars; one submission).

Submission:

CeGaT Center for Human Genetics Tuebingen
Classification: Likely benign. Last evaluated: 2024-11-01. Review status: criteria provided, single submitter. Criteria: CeGaT Center For Human Genetics Tuebingen Variant Classification Criteria Version 2. Collection method: clinical testing. Allele origin: germline. Affected: yes. Observed: 1 variant allele.
Comment: BCL2L12: BP4, BS2